The following is an entry in ClinVar:

ClinVar aggregate classification (germline): Benign/Likely benign. Review status: criteria provided, multiple submitters, no conflicts (2 of 4 stars). 2 submissions from 2 submitters: Benign (1); Likely benign (1). Last evaluated 2023-03-01.

Allele frequency attached by ClinVar (database versions not stated): 1000 Genomes Project 0.00060; 1000 Genomes Project 30x 0.00062; ExAC 0.00117; TOPMed 0.00151; gnomAD 0.00155 and 0.00158; ESP Exome Variant Server 0.00177.
gnomAD v4.1: 4,379 of 1,613,986 alleles (0.27%); highest among the groups gnomAD compares: Non-Finnish European, 0.35%; 14 homozygotes.

Submissions (2):

CeGaT Center for Human Genetics Tuebingen
Classification: Likely benign. Last evaluated: 2023-03-01. Review status: criteria provided, single submitter. Criteria: CeGaT Center For Human Genetics Tuebingen Variant Classification Criteria Version 2. Collection method: clinical testing. Allele origin: germline. Affected: yes. Observed: 1 variant allele.
Comment: HSP90AB1: BP4, BP7

Labcorp Genetics (formerly Invitae), Labcorp
Classification: Benign. Last evaluated: 2018-07-25. Review status: criteria provided, single submitter. Criteria: Invitae Variant Classification Sherloc (09022015). Collection method: clinical testing. Allele origin: germline.

NM_007355.4(HSP90AB1):c.846A>G (p.Leu282=)

Gene: HSP90AB1 (heat shock protein 90 alpha family class B member 1; plus strand). Cytogenetic location: 6p21.1.
Variant type: single nucleotide variant.
Coding change: c.846A>G on transcript NM_007355.4 (MANE Select); coding-DNA position 846, A replaced by G.
Protein change: p.Leu282=; no amino-acid change (leucine 282 retained).
Molecular consequence: synonymous variant.
Genome position (GRCh38, 1-based): chr6:44,250,488, A>G. VCF-style: chr6-44250488-A-G. GRCh37 (hg19) VCF-style: chr6-44218225-A-G.
Other names: c.846A>G, p.Leu282= (NM_001271969.2, NM_001271970.2, NM_001371238.1); c.702A>G, p.Leu234= (NM_001271971.2); c.816A>G, p.Leu272= (NM_001271972.2).
Identifiers: ClinVar variation 711675 (VCV000711675.28), dbSNP rs34684798, ClinGen allele CA3832143.